The following is an entry in ClinVar:

ClinVar aggregate classification (germline): Uncertain significance (1 of 4 stars; one submission).

Conditions:
Dyskeratosis congenita, autosomal dominant 1 (DKCA1). Also called: Dyskeratosis congenita Scoggins type. Identifiers: Orphanet 1775, MedGen C4551974, MONDO:0007485, OMIM 127550. Inheritance: Variable.

Allele frequency attached by ClinVar (database versions not stated): ExAC 0.00001.

Submission:

Labcorp Genetics (formerly Invitae), Labcorp
Classification: Uncertain significance for Dyskeratosis congenita, autosomal dominant 1. Last evaluated: 2023-05-29. Review status: criteria provided, single submitter. Criteria: Invitae Variant Classification Sherloc (09022015). Collection method: clinical testing. Allele origin: germline.
Comment: This variant occurs in the TERC gene, which encodes an RNA molecule that does not result in a protein product. This variant is located within the template/pseudoknot domain of the TERC RNA component, which is required for RNA or RNP stability (PMID: 15082312, 21844345). In summary, the available evidence is currently insufficient to determine the role of this variant in disease. Therefore, it has been classified as a Variant of Uncertain Significance. This variant is located in a region of TERC in which a significant number of disease causing variants have been reported (PMID: 15082312, 21844345, 21931702). These observations suggest that this may be a clinically significant region. This variant has not been reported in the literature in individuals affected with TERC-related conditions. This variant is not present in population databases (gnomAD no frequency).

Literature cited by the submitters: PubMed 15082312; PubMed 21844345; PubMed 21931702.

NC_000003.12:g.169764940C>T

Genes: TERC (telomerase RNA component; minus strand), LOC110806306 (telomerase RNA component (TERC) promoter; plus strand). Cytogenetic location: 3q26.2.
Variant type: single nucleotide variant.
Genome position: GRCh38 VCF-style: chr3-169764940-C-T. GRCh37 (hg19) VCF-style: chr3-169482728-C-T.
Identifiers: ClinVar variation 2729669 (VCV002729669.3), dbSNP rs773543041, ClinGen allele CA2696822.